The following is an entry in ClinVar:

ClinVar aggregate classification (germline): Uncertain significance. Review status: criteria provided, multiple submitters, no conflicts (2 of 4 stars). 3 submissions from 3 submitters: Uncertain significance (3). Last evaluated 2025-12-18.

Conditions:
Renal tubulopathies.
Familial hypokalemia-hypomagnesemia (GTLMNS). Also called: HYPOMAGNESEMIA-HYPOKALEMIA, PRIMARY RENOTUBULAR, WITH HYPOCALCIURIA; POTASSIUM AND MAGNESIUM DEPLETION; gitelman syndrome. Identifiers: Orphanet 358, MedGen C0268450, MONDO:0009904, OMIM 263800.

gnomAD v4.1: 411 of 1,573,324 alleles (0.026%); highest among the groups gnomAD compares: Non-Finnish European, 0.034%; no homozygotes.

Submissions (3):

Genetics Laboratory, Great Ormond Street Hospital NHS Foundation Trust, North Thames Genomic Laboratory Hub
Classification: Uncertain significance for Renal tubulopathies. Last evaluated: 2025-12-18. Review status: criteria provided, single submitter. Criteria: ACGS Best Practice Guidelines for Variant Classification in Rare Disease 2024 v1.2. Collection method: clinical testing. Allele origin: germline. Affected: yes.
Comment: PM2_moderate, PP3_supporting, PM3_supporting

Fulgent Genetics
Classification: Uncertain significance for Familial hypokalemia-hypomagnesemia. Last evaluated: 2024-06-06. Review status: criteria provided, single submitter. Criteria: ACMG Guidelines, 2015. Collection method: clinical testing. Allele origin: germline.

Labcorp Genetics (formerly Invitae), Labcorp
Classification: Uncertain significance. Last evaluated: 2022-10-18. Review status: criteria provided, single submitter. Criteria: Invitae Variant Classification Sherloc (09022015). Collection method: clinical testing. Allele origin: germline.
Comment: This sequence change falls in intron 21 of the SLC12A3 gene. It does not directly change the encoded amino acid sequence of the SLC12A3 protein. This variant is present in population databases (rs202196913, gnomAD 0.02%). This variant has not been reported in the literature in individuals affected with SLC12A3-related conditions. Algorithms developed to predict the effect of sequence changes on RNA splicing suggest that this variant may disrupt the consensus splice site. In summary, the available evidence is currently insufficient to determine the role of this variant in disease. Therefore, it has been classified as a Variant of Uncertain Significance.

NM_001126108.2(SLC12A3):c.2522-19C>G

Gene: SLC12A3 (solute carrier family 12 member 3; plus strand). Cytogenetic location: 16q13.
Variant type: single nucleotide variant.
Coding change: c.2522-19C>G on transcript NM_001126108.2 (MANE Select); 19 bases into the intron before coding-DNA position 2522, C replaced by G.
Molecular consequence: intron variant.
Genome position (GRCh38, 1-based): chr16:56,894,512, C>G. VCF-style: chr16-56894512-C-G. GRCh37 (hg19) VCF-style: chr16-56928424-C-G.
Other names: c.2549-19C>G (NM_000339.3); c.2546-19C>G (NM_001126107.2).
Identifiers: ClinVar variation 2200216 (VCV002200216.3), dbSNP rs202196913, ClinGen allele CA8069954.